The following is an entry in ClinVar:

ClinVar aggregate classification (germline): Uncertain significance. Review status: criteria provided, multiple submitters, no conflicts (2 of 4 stars). 2 submissions from 2 submitters: Uncertain significance (2). Last evaluated 2024-05-23.

Conditions:
Inborn genetic diseases. Identifiers: MedGen C0950123, MeSH D030342.

Allele frequency attached by ClinVar (database versions not stated): gnomAD exomes below 0.00001; ExAC 0.00001; gnomAD 0.00002; TOPMed 0.00002.
gnomAD v4.1: 8 of 1,612,470 alleles (0.0005%); highest among the groups gnomAD compares: African/African-American, 0.004%; no homozygotes.

Submissions (2):

Ambry Genetics
Classification: Uncertain significance for Inborn genetic diseases. Last evaluated: 2024-05-23. Review status: criteria provided, single submitter. Criteria: Ambry Variant Classification Scheme 2023. Collection method: clinical testing. Allele origin: germline.

Labcorp Genetics (formerly Invitae), Labcorp
Classification: Uncertain significance. Last evaluated: 2024-02-01. Review status: criteria provided, single submitter. Criteria: Invitae Variant Classification Sherloc (09022015). Collection method: clinical testing. Allele origin: germline.
Comment: This sequence change replaces glutamic acid, which is acidic and polar, with lysine, which is basic and polar, at codon 795 of the WFS1 protein (p.Glu795Lys). This variant is present in population databases (rs757718518, gnomAD 0.003%). This variant has not been reported in the literature in individuals affected with WFS1-related conditions. Advanced modeling of protein sequence and biophysical properties (such as structural, functional, and spatial information, amino acid conservation, physicochemical variation, residue mobility, and thermodynamic stability) performed at Invitae indicates that this missense variant is not expected to disrupt WFS1 protein function with a negative predictive value of 95%. In summary, the available evidence is currently insufficient to determine the role of this variant in disease. Therefore, it has been classified as a Variant of Uncertain Significance.

NM_006005.3(WFS1):c.2383G>A (p.Glu795Lys)

Gene: WFS1 (wolframin ER transmembrane glycoprotein; plus strand). Cytogenetic location: 4p16.1.
Variant type: single nucleotide variant.
Coding change: c.2383G>A on transcript NM_006005.3 (MANE Select); coding-DNA position 2383, G replaced by A.
Protein change: p.Glu795Lys; replaces glutamic acid 795 with lysine.
Molecular consequence: missense variant.
Genome position (GRCh38, 1-based): chr4:6,302,178, G>A. VCF-style: chr4-6302178-G-A. GRCh37 (hg19) VCF-style: chr4-6303905-G-A.
Other names: c.2383G>A, p.Glu795Lys (NM_001145853.1); short protein forms E795K.
Identifiers: ClinVar variation 2974573 (VCV002974573.4), dbSNP rs757718518, ClinGen allele CA2839714.